The following is an entry in ClinVar:

ClinVar aggregate classification (germline): Uncertain significance. Review status: criteria provided, multiple submitters, no conflicts (2 of 4 stars). 2 submissions from 2 submitters: Uncertain significance (2). Last evaluated 2025-08-04.

Conditions:
Inborn genetic diseases. Identifiers: MedGen C0950123, MeSH D030342.

Submissions (2):

Ambry Genetics
Classification: Uncertain significance for Inborn genetic diseases. Last evaluated: 2025-08-04. Review status: criteria provided, single submitter. Criteria: Ambry Variant Classification Scheme 2023. Collection method: clinical testing. Allele origin: germline.

Labcorp Genetics (formerly Invitae), Labcorp
Classification: Uncertain significance. Last evaluated: 2025-04-14. Review status: criteria provided, single submitter. Criteria: Invitae Variant Classification Sherloc (09022015). Collection method: clinical testing. Allele origin: germline.
Comment: This sequence change replaces glutamine, which is neutral and polar, with arginine, which is basic and polar, at codon 334 of the VSX1 protein (p.Gln334Arg). This variant is present in population databases (rs546673524, gnomAD 0.006%). This variant has not been reported in the literature in individuals affected with VSX1-related conditions. An algorithm developed to predict the effect of missense changes on protein structure and function (PolyPhen-2) suggests that this variant is likely to be tolerated. In summary, the available evidence is currently insufficient to determine the role of this variant in disease. Therefore, it has been classified as a Variant of Uncertain Significance.

NM_014588.6(VSX1):c.1001A>G (p.Gln334Arg)

Gene: VSX1 (visual system homeobox 1; minus strand). Cytogenetic location: 20p11.21.
Variant type: single nucleotide variant.
Coding change: c.1001A>G on transcript NM_014588.6 (MANE Select); coding-DNA position 1001, A replaced by G.
Protein change: p.Gln334Arg; replaces glutamine 334 with arginine.
Molecular consequence: missense variant. On other transcripts: non-coding transcript variant (2), intron variant (2).
Genome position (GRCh38, 1-based): chr20:25,076,358, T>C on the plus strand (A>G on the coding strand, the complement: VSX1 is on the minus strand). VCF-style: chr20-25076358-T-C. GRCh37 (hg19) VCF-style: chr20-25056994-T-C.
Other names: c.308A>G, p.Gln103Arg (NM_001378633.1); c.627+2471A>G (NM_001256271.2); c.808+1327A>G (NM_001256272.2); short protein forms Q103R, Q334R.
Identifiers: ClinVar variation 4199650 (VCV004199650.2).